The following is an entry in ClinVar:

ClinVar aggregate classification (germline): Likely pathogenic (1 of 4 stars; one submission).

Conditions:
Al Kaissi syndrome. Also called: GROWTH RETARDATION, SPINE MALFORMATION, DYSMORPHIC FACIES, AND DEVELOPMENTAL DELAY. Identifiers: MedGen C4540156, MONDO:0044324, OMIM 617694.

Submission:

Variantyx, Inc.
Classification: Likely pathogenic for Al Kaissi syndrome. Last evaluated: 2025-11-05. Review status: criteria provided, single submitter. Criteria: Variantyx Assertion Criteria 2022. Collection method: clinical testing. Allele origin: germline. Inheritance: Autosomal recessive inheritance. Affected: yes.
Comment: This is a nonsense variant in the CDK10 gene (OMIM: 603464). Pathogenic variants in this gene have been associated with autosomal recessive Al Kaissi syndrome. This variant introduces a premature termination codon in exon 5 out of 13 and is expected to result in loss of function, which is a known disease mechanism for CDK10 in this disorder (PVS1) (PMID:28886341). This variant is absent from control populations (PM2). Based on the current evidence, this variant is classified as likely pathogenic for autosomal recessive Al Kaissi syndrome.

Literature cited by the submitters: PubMed 28886341.

NM_052988.5(CDK10):c.407C>A (p.Ser136Ter)

Gene: CDK10 (cyclin dependent kinase 10; plus strand). Cytogenetic location: 16q24.3.
Variant type: single nucleotide variant.
Coding change: c.407C>A on transcript NM_052988.5 (MANE Select); coding-DNA position 407, C replaced by A.
Protein change: p.Ser136Ter; replaces serine 136 with a stop codon.
Molecular consequence: nonsense. On other transcripts: non-coding transcript variant (2).
Genome position (GRCh38, 1-based): chr16:89,691,877, C>A. VCF-style: chr16-89691877-C-A. GRCh37 (hg19) VCF-style: chr16-89758285-C-A.
Other names: c.194C>A, p.Ser65Ter (NM_001098533.3, NM_001160367.2, NM_052987.4); short protein forms S136*, S65*.
Identifiers: ClinVar variation 4850818 (VCV004850818.1).